The following is an entry in ClinVar:

NM_152743.4(BRAT1):c.2283C>G (p.Ala761=)

Gene: BRAT1 (BRCA1 associated ATM activator 1; minus strand). Cytogenetic location: 7p22.3.
Variant type: single nucleotide variant.
Coding change: c.2283C>G on transcript NM_152743.4 (MANE Select); coding-DNA position 2283, C replaced by G.
Protein change: p.Ala761=; no amino-acid change (alanine 761 retained).
Molecular consequence: synonymous variant. On other transcripts: non-coding transcript variant (1).
Genome position (GRCh38, 1-based): chr7:2,538,252, G>C on the plus strand (C>G on the coding strand, the complement: BRAT1 is on the minus strand). VCF-style: chr7-2538252-G-C. GRCh37 (hg19) VCF-style: chr7-2577886-G-C.
Other names: c.2463C>G, p.Ala821= (NM_001350626.2); c.1758C>G, p.Ala586= (NM_001350627.2).
Identifiers: ClinVar variation 2657232 (VCV002657232.24), dbSNP rs758920429, ClinGen allele CA453627288.

ClinVar aggregate classification (germline): Likely benign (1 of 4 stars; one submission).

Submission:

CeGaT Center for Human Genetics Tuebingen
Classification: Likely benign. Last evaluated: 2022-05-01. Review status: criteria provided, single submitter. Criteria: CeGaT Center For Human Genetics Tuebingen Variant Classification Criteria Version 2. Collection method: clinical testing. Allele origin: germline. Affected: yes. Observed: 1 variant allele.
Comment: BRAT1: PM2:Supporting, BP4, BP7